The following is an entry in ClinVar:

ClinVar aggregate classification (germline): Uncertain significance. Review status: criteria provided, multiple submitters, no conflicts (2 of 4 stars). 2 submissions from 2 submitters: Uncertain significance (2). Last evaluated 2023-12-21.

Allele frequency attached by ClinVar (database versions not stated): TOPMed 0.00003; gnomAD 0.00005.
gnomAD v4.1: 26 of 1,614,090 alleles (0.0016%); highest among the groups gnomAD compares: African/African-American, 0.0093%; no homozygotes.

Submissions (2):

Labcorp Genetics (formerly Invitae), Labcorp
Classification: Uncertain significance. Last evaluated: 2023-12-21. Review status: criteria provided, single submitter. Criteria: Invitae Variant Classification Sherloc (09022015). Collection method: clinical testing. Allele origin: germline.
Comment: This sequence change replaces arginine, which is basic and polar, with glutamine, which is neutral and polar, at codon 346 of the KRT74 protein (p.Arg346Gln). This variant is present in population databases (rs765632374, gnomAD 0.01%). This variant has not been reported in the literature in individuals affected with KRT74-related conditions. ClinVar contains an entry for this variant (Variation ID: 2590710). Algorithms developed to predict the effect of missense changes on protein structure and function output the following: SIFT: "Not Available"; PolyPhen-2: "Benign"; Align-GVGD: "Not Available". The glutamine amino acid residue is found in multiple mammalian species, which suggests that this missense change does not adversely affect protein function. In summary, the available evidence is currently insufficient to determine the role of this variant in disease. Therefore, it has been classified as a Variant of Uncertain Significance.

Ambry Genetics
Classification: Uncertain significance. Last evaluated: 2023-08-21. Review status: criteria provided, single submitter. Criteria: Ambry Variant Classification Scheme 2023. Collection method: clinical testing. Allele origin: germline.

NM_175053.4(KRT74):c.1037G>A (p.Arg346Gln)

Gene: KRT74 (keratin 74; minus strand). Cytogenetic location: 12q13.13.
Variant type: single nucleotide variant.
Coding change: c.1037G>A on transcript NM_175053.4 (MANE Select); coding-DNA position 1037, G replaced by A.
Protein change: p.Arg346Gln; replaces arginine 346 with glutamine.
Molecular consequence: missense variant.
Genome position (GRCh38, 1-based): chr12:52,569,956, C>T on the plus strand (G>A on the coding strand, the complement: KRT74 is on the minus strand). VCF-style: chr12-52569956-C-T. GRCh37 (hg19) VCF-style: chr12-52963740-C-T.
Other names: short protein forms R346Q.
Identifiers: ClinVar variation 2590710 (VCV002590710.5), dbSNP rs765632374, ClinGen allele CA237263516.